The following is an entry in ClinVar:

NM_145038.5(DRC1):c.1217A>G (p.Glu406Gly)

Gene: DRC1 (dynein regulatory complex subunit 1; plus strand). Cytogenetic location: 2p23.3.
Variant type: single nucleotide variant.
Coding change: c.1217A>G on transcript NM_145038.5 (MANE Select); coding-DNA position 1217, A replaced by G.
Protein change: p.Glu406Gly; replaces glutamic acid 406 with glycine.
Molecular consequence: missense variant.
Genome position (GRCh38, 1-based): chr2:26,444,769, A>G. VCF-style: chr2-26444769-A-G. GRCh37 (hg19) VCF-style: chr2-26667637-A-G.
Other names: short protein forms E406G.
Identifiers: ClinVar variation 4728576 (VCV004728576.1).

ClinVar aggregate classification (germline): Uncertain significance (1 of 4 stars; one submission).

Conditions:
Primary ciliary dyskinesia. Also called: Ciliary dyskinesia. Identifiers: Orphanet 244, MedGen C0008780, MONDO:0016575, HP:0012265.

Submission:

Labcorp Genetics (formerly Invitae), Labcorp
Classification: Uncertain significance for Primary ciliary dyskinesia. Last evaluated: 2025-10-29. Review status: criteria provided, single submitter. Criteria: Invitae Variant Classification Sherloc (09022015). Collection method: clinical testing. Allele origin: germline.
Comment: This sequence change replaces glutamic acid, which is acidic and polar, with glycine, which is neutral and non-polar, at codon 406 of the DRC1 protein (p.Glu406Gly). This variant is not present in population databases (gnomAD no frequency). This missense change has been observed in individual(s) with clinical features of DRC1-related conditions (internal data). In at least one individual the data is consistent with being in trans (on the opposite chromosome) from a pathogenic variant. An algorithm developed to predict the effect of missense changes on protein structure and function (PolyPhen-2) suggests that this variant is likely to be disruptive. In summary, the available evidence is currently insufficient to determine the role of this variant in disease. Therefore, it has been classified as a Variant of Uncertain Significance.